The following is an entry in ClinVar:

ClinVar aggregate classification (germline): Uncertain significance (1 of 4 stars; one submission).

Conditions:
NEK1-related disorder. Also called: NEK1-related condition.

gnomAD v4.1: 9 of 1,591,008 alleles (0.00057%); highest among the groups gnomAD compares: Non-Finnish European, 0.00077%; no homozygotes.

Submission:

PreventionGenetics, part of Exact Sciences
Classification: Uncertain significance for NEK1-related condition. Last evaluated: 2025-10-15. Review status: criteria provided, single submitter. Criteria: ACMG Guidelines, 2015. Collection method: clinical testing. Allele origin: germline.
Comment: The NEK1 c.1733A>G variant is predicted to result in the amino acid substitution p.Lys578Arg. To our knowledge, this variant has not been reported in the literature or in a large population database (gnomAD), indicating this variant is rare. At this time, the clinical significance of this variant is uncertain due to the absence of conclusive functional and genetic evidence.

NM_001199397.3(NEK1):c.1817A>G (p.Lys606Arg)

Gene: NEK1 (NIMA related kinase 1; minus strand). Cytogenetic location: 4q33.
Variant type: single nucleotide variant.
Coding change: c.1817A>G on transcript NM_001199397.3 (MANE Select); coding-DNA position 1817, A replaced by G.
Protein change: p.Lys606Arg; replaces lysine 606 with arginine.
Molecular consequence: missense variant. On other transcripts: non-coding transcript variant (1).
Genome position (GRCh38, 1-based): chr4:169,508,264, T>C on the plus strand (A>G on the coding strand, the complement: NEK1 is on the minus strand). VCF-style: chr4-169508264-T-C. GRCh37 (hg19) VCF-style: chr4-170429415-T-C.
Other names: c.1685A>G, p.Lys562Arg (NM_001199398.3, NM_001440622.1); c.1526A>G, p.Lys509Arg (NM_001199399.3); c.1601A>G, p.Lys534Arg (NM_001199400.3, NM_001440623.1); c.1817A>G, p.Lys606Arg (NM_001374418.1, NM_001440620.1); c.1733A>G, p.Lys578Arg (NM_001374419.1, NM_001440621.1, NM_012224.4); c.1682A>G, p.Lys561Arg (NM_001374420.1); c.1607A>G, p.Lys536Arg (NM_001374421.1); c.1112A>G, p.Lys371Arg (NM_001440624.1); and 1 more; short protein forms K534R, K561R, K578R, K606R, K371R, K536R, K562R, K327R.
Identifiers: ClinVar variation 4999364 (VCV004999364.1).